The following is an entry in ClinVar:

ClinVar aggregate classification (germline): Conflicting classifications of pathogenicity. Review status: criteria provided, conflicting classifications (1 of 4 stars). 3 submissions from 3 submitters: Uncertain significance (1); Likely benign (2). Last evaluated 2025-08-20.

Conditions:
POLD1-related polyposis and colorectal cancer syndrome (CRCS10). Also called: Colorectal cancer, susceptibility to, 10; Colorectal cancer 10; COLORECTAL CANCER, SUSCEPTIBILITY TO, ON CHROMOSOME 19q. Identifiers: Orphanet 220460, MedGen C2675481, MONDO:0012953, OMIM 612591.
Hereditary cancer-predisposing syndrome. Also called: Tumor predisposition; Hereditary Cancer Syndrome; Hereditary neoplastic syndrome; Neoplastic Syndromes, Hereditary. Identifiers: Orphanet 140162, MedGen C0027672, MeSH D009386, MONDO:0015356.

Allele frequency attached by ClinVar (database versions not stated): TOPMed below 0.00001; gnomAD 0.00001.
gnomAD v4.1: 1 of 1,613,936 alleles (0.000062%); highest among the groups gnomAD compares: Non-Finnish European, 0.000085%; no homozygotes.

Submissions (3):

Labcorp Genetics (formerly Invitae), Labcorp
Classification: Likely benign for POLD1-related polyposis and colorectal cancer syndrome. Last evaluated: 2025-08-20. Review status: criteria provided, single submitter. Criteria: Invitae Variant Classification Sherloc (09022015). Collection method: clinical testing. Allele origin: germline.

GeneDx
Classification: Uncertain significance. Last evaluated: 2022-09-26. Review status: criteria provided, single submitter. Criteria: GeneDx Variant Classification Process June 2021. Collection method: clinical testing. Allele origin: germline. Affected: yes.
Comment: Not observed in large population cohorts (gnomAD); In silico analysis supports that this variant does not alter splicing; Has not been previously published as pathogenic or benign to our knowledge

Ambry Genetics
Classification: Likely benign for Hereditary cancer-predisposing syndrome. Last evaluated: 2021-03-12. Review status: criteria provided, single submitter. Criteria: Ambry Variant Classification Scheme 2023. Collection method: clinical testing. Allele origin: germline.

NM_002691.4(POLD1):c.417C>T (p.Cys139=)

Gene: POLD1 (DNA polymerase delta 1, catalytic subunit; plus strand). Cytogenetic location: 19q13.33.
Variant type: single nucleotide variant.
Coding change: c.417C>T on transcript NM_002691.4 (MANE Select); coding-DNA position 417, C replaced by T.
Protein change: p.Cys139=; no amino-acid change (cysteine 139 retained).
Molecular consequence: synonymous variant. On other transcripts: non-coding transcript variant (1).
Genome position (GRCh38, 1-based): chr19:50,401,878, C>T. VCF-style: chr19-50401878-C-T. GRCh37 (hg19) VCF-style: chr19-50905135-C-T.
Other names: c.417C>T, p.Cys139= (NM_001256849.1, NM_001308632.1).
Identifiers: ClinVar variation 1312099 (VCV001312099.12), dbSNP rs2038649365, ClinGen allele CA508304211.